The following is an entry in ClinVar:

NM_000138.5(FBN1):c.6749A>T (p.Glu2250Val)

Gene: FBN1 (fibrillin 1; minus strand). Cytogenetic location: 15q21.1.
Variant type: single nucleotide variant.
Coding change: c.6749A>T on transcript NM_000138.5 (MANE Select); coding-DNA position 6749, A replaced by T.
Protein change: p.Glu2250Val; replaces glutamic acid 2250 with valine.
Molecular consequence: missense variant.
Genome position (GRCh38, 1-based): chr15:48,430,793, T>A on the plus strand (A>T on the coding strand, the complement: FBN1 is on the minus strand). VCF-style: chr15-48430793-T-A. GRCh37 (hg19) VCF-style: chr15-48722990-T-A.
Other names: short protein forms E2250V.
Identifiers: ClinVar variation 992537 (VCV000992537.3), dbSNP rs2043018196, ClinGen allele CA392332904.

ClinVar aggregate classification (germline): Likely pathogenic (1 of 4 stars; one submission).

Conditions:
Marfan syndrome (MFS). Also called: FBN1-Related Marfan Syndrome; MARFAN SYNDROME, TYPE I; Marfan syndrome type 1; Marfan's syndrome; Marfan syndrome, classic. Identifiers: Orphanet 284963, Orphanet 558, MedGen C0024796, MONDO:0007947, OMIM 154700.

Submission:

Center for Genomics, Ann and Robert H. Lurie Children's Hospital of Chicago
Classification: Likely pathogenic for Marfan syndrome. Last evaluated: 2021-12-09. Review status: criteria provided, single submitter. Criteria: ACMG Guidelines, 2015. Collection method: clinical testing. Allele origin: maternal. Observed: 2 variant alleles.
Comment: This variant has not been reported in the literature and is absent from gnomAD. This variant is located in a calcium-binding epidermal growth factor-like (cbEGF) domain and may impair protein folding or stabilization (Jensen 2005 PMID:15649891). Additionally, the FBN1 gene has a gnomAD missense constraint z-score of 5.06, suggesting that benign missense variation in FBN1 is uncommon (Lek 2016 PMID: 27535533). Of note, a likely pathogenic variant at the same amino acid position (p.Glu2250Gly) has been reported in the literature in two individuals with ectopia lentis and other features consistent with Marfan syndrome (Comeglio 2007 PMID: 17657824; Söylen 2009 PMID: 19159394). Evolutionary conservation and computational predictive tools further support the potential impact to protein structure or function. In summary, data on this variant is highly suspicious for disease, but requires further evidence for pathogenicity. Therefore, this variant is classified as likely pathogenic.